The following is an entry in ClinVar:

ClinVar aggregate classification (germline): Conflicting classifications of pathogenicity. Review status: criteria provided, conflicting classifications (1 of 4 stars). 2 submissions from 2 submitters: Uncertain significance (1); Likely benign (1). Last evaluated 2023-03-23.

Conditions:
Hereditary cancer-predisposing syndrome. Also called: Neoplastic Syndromes, Hereditary; Hereditary Cancer Syndrome; Tumor predisposition; Hereditary neoplastic syndrome. Identifiers: Orphanet 140162, MedGen C0027672, MeSH D009386, MONDO:0015356.
Hereditary breast ovarian cancer syndrome. Also called: Hereditary breast and ovarian cancer; Hereditary breast and/or ovarian cancer syndrome; Breast and ovarian cancer; Hereditary breast and ovarian cancer syndrome; Hereditary breast and ovarian cancer syndrome (HBOC); BRCA1- and BRCA2-Associated Hereditary Breast and Ovarian Cancer. Identifiers: Orphanet 145, MedGen C0677776, MeSH D061325, MONDO:0003582. Disease mechanism: loss of function.

Submissions (2):

University of Washington Department of Laboratory Medicine, University of Washington
Classification: Likely benign for Hereditary cancer-predisposing syndrome. Last evaluated: 2023-03-23. Review status: criteria provided, single submitter. Criteria: Dines et al. (Genet Med. 2020). Collection method: curation. Allele origin: germline.
Comment: Missense variant in a coldspot region where missense variants are very unlikely to be pathogenic (PMID:31911673).

BRCA2 exon 11 coldspot. Reclassification based on statistical prior probability.

Labcorp Genetics (formerly Invitae), Labcorp
Classification: Uncertain significance for Hereditary breast ovarian cancer syndrome. Last evaluated: 2022-03-27. Review status: criteria provided, single submitter. Criteria: Invitae Variant Classification Sherloc (09022015). Collection method: clinical testing. Allele origin: germline.
Comment: In summary, the available evidence is currently insufficient to determine the role of this variant in disease. Therefore, it has been classified as a Variant of Uncertain Significance. Advanced modeling of protein sequence and biophysical properties (such as structural, functional, and spatial information, amino acid conservation, physicochemical variation, residue mobility, and thermodynamic stability) performed at Invitae indicates that this missense variant is not expected to disrupt BRCA2 protein function. This missense change has been observed in individual(s) with breast cancer (PMID: 17100994). This variant is not present in population databases (gnomAD no frequency). This sequence change replaces methionine, which is neutral and non-polar, with leucine, which is neutral and non-polar, at codon 1272 of the BRCA2 protein (p.Met1272Leu).

Literature cited by the submitters: PubMed 17100994 (cited by Labcorp Genetics (formerly Invitae), Labcorp).

NM_000059.4(BRCA2):c.3814A>T (p.Met1272Leu)

Gene: BRCA2 (BRCA2 DNA repair associated; plus strand). Cytogenetic location: 13q13.1.
Variant type: single nucleotide variant.
Coding change: c.3814A>T on transcript NM_000059.4 (MANE Select); coding-DNA position 3814, A replaced by T.
Protein change: p.Met1272Leu; replaces methionine 1272 with leucine.
Molecular consequence: missense variant.
Genome position (GRCh38, 1-based): chr13:32,338,169, A>T. VCF-style: chr13-32338169-A-T. GRCh37 (hg19) VCF-style: chr13-32912306-A-T.
Other names: c.3814A>T, p.Met1272Leu (NM_001406719.1, NM_001406720.1); short protein forms M1272L.
Identifiers: ClinVar variation 2137473 (VCV002137473.6), dbSNP rs80358624, ClinGen allele CA387778458.